The following is an entry in ClinVar:

ClinVar aggregate classification (germline): Benign/Likely benign. Review status: criteria provided, multiple submitters, no conflicts (2 of 4 stars). 8 submissions from 8 submitters: Benign (7); Likely benign (1). Last evaluated 2026-02-03.

Conditions:
Inborn genetic diseases. Identifiers: MedGen C0950123, MeSH D030342.
Progressive myoclonic epilepsy. Also called: Myoclonic Epilepsies, Progressive; Myoclonus epilepsy; Familial progressive myoclonic epilepsy; Progressive myoclonus epilepsy. Identifiers: Orphanet 308, Orphanet 98261, MedGen C0751778, MONDO:0020074.

Allele frequency attached by ClinVar (database versions not stated): ESP Exome Variant Server 0.01286; TOPMed 0.01606; ExAC 0.02575; 1000 Genomes Project 30x 0.01077; 1000 Genomes Project 0.01098.
gnomAD v4.1: 35,574 of 1,546,906 alleles (2.3%); highest among the groups gnomAD compares: South Asian, 2.5%; 534 homozygotes.

Submissions (8):

Labcorp Genetics (formerly Invitae), Labcorp
Classification: Benign for Progressive myoclonic epilepsy. Last evaluated: 2026-02-03. Review status: criteria provided, single submitter. Criteria: Invitae Variant Classification Sherloc (09022015). Collection method: clinical testing. Allele origin: germline.

Mayo Clinic Laboratories, Mayo Clinic
Classification: Benign. Last evaluated: 2019-08-23. Review status: criteria provided, single submitter. Criteria: ACMG Guidelines, 2015. Collection method: clinical testing. Allele origin: germline. Observed: 61 variant alleles.

Athena Diagnostics
Classification: Benign. Last evaluated: 2017-07-03. Review status: criteria provided, single submitter. Criteria: Athena Diagnostics Criteria. Collection method: clinical testing. Allele origin: germline.

Ambry Genetics
Classification: Benign for Inborn genetic diseases. Last evaluated: 2017-03-23. Review status: criteria provided, single submitter. Criteria: Ambry Variant Classification Scheme 2023. Collection method: clinical testing. Allele origin: germline.

Eurofins Ntd Llc (ga)
Classification: Benign. Last evaluated: 2015-01-07. Review status: criteria provided, single submitter. Criteria: EGL Classification Definitions 2015. Collection method: clinical testing. Allele origin: germline. Observed: 3 variant alleles, 3 heterozygotes.

GeneDx
Classification: Benign. Last evaluated: 2013-12-01. Review status: criteria provided, single submitter. Criteria: GeneDx Variant Classification (06012015). Collection method: clinical testing. Allele origin: germline. Affected: yes.
Comment: This variant is considered likely benign or benign based on one or more of the following criteria: it is a conservative change, it occurs at a poorly conserved position in the protein, it is predicted to be benign by multiple in silico algorithms, and/or has population frequency not consistent with disease.

Breakthrough Genomics
Classification: Likely benign. Review status: criteria provided, single submitter. Criteria: ACMG Guidelines, 2015. Collection method: not provided. Allele origin: germline. Inheritance: Autosomal recessive inheritance. Affected: yes.

PreventionGenetics, part of Exact Sciences
Classification: Benign. Review status: criteria provided, single submitter. Criteria: ACMG Guidelines, 2015. Collection method: clinical testing. Allele origin: germline.

NM_004287.5(GOSR2):c.7C>A (p.Pro3Thr)

Genes: GOSR2 (golgi SNAP receptor complex member 2; plus strand), LRRC37A2 (leucine rich repeat containing 37 member A2). Cytogenetic location: 17q21.32.
Variant type: single nucleotide variant.
Coding change: c.7C>A on transcript NM_004287.5 (MANE Select); coding-DNA position 7, C replaced by A.
Protein change: p.Pro3Thr; replaces proline 3 with threonine.
Molecular consequence: missense variant. On other transcripts: 5 prime UTR variant (2), non-coding transcript variant (3).
Genome position (GRCh38, 1-based): chr17:46,923,199, C>A. VCF-style: chr17-46923199-C-A. GRCh37 (hg19) VCF-style: chr17-45000565-C-A.
Other names: p.P3T:CCC>ACC; c.7C>A, p.Pro3Thr (NM_001012511.3, NM_001321133.2, NM_001330252.2 and 4 more transcripts); c.-96C>A (NM_001321134.2); c.-459C>A (NM_001363851.2); short protein forms P3T.
Identifiers: ClinVar variation 137488 (VCV000137488.26), dbSNP rs12944167, ClinGen allele CA302694.